The following is an entry in ClinVar:

ClinVar aggregate classification (germline): Likely benign. Review status: criteria provided, single submitter (1 of 4 stars). 2 submissions from 2 submitters: Likely benign (1). 1 of the submissions does not count toward it. Last evaluated 2023-02-28.

Conditions:
SLC22A25-related disorder. Also called: SLC22A25-related condition.

Allele frequency attached by ClinVar (database versions not stated): ESP Exome Variant Server 0.00031; gnomAD 0.00036; TOPMed 0.00038; ExAC 0.00045; 1000 Genomes Project 30x 0.00078; 1000 Genomes Project 0.00080.
gnomAD v4.1: 387 of 1,614,044 alleles (0.024%); highest among the groups gnomAD compares: East Asian, 0.11%; 15 homozygotes.

Submissions (2):

Ambry Genetics
Classification: Likely benign. Last evaluated: 2023-02-28. Review status: criteria provided, single submitter. Criteria: Ambry Variant Classification Scheme 2023. Collection method: clinical testing. Allele origin: germline.

PreventionGenetics, part of Exact Sciences
Classification: Likely benign for SLC22A25-related condition. Last evaluated: 2022-03-18. Review status: no assertion criteria provided. Collection method: clinical testing. Allele origin: germline. Not counted in ClinVar's aggregate classification.
Comment: This variant is classified as likely benign based on ACMG/AMP sequence variant interpretation guidelines (Richards et al. 2015 PMID: 25741868, with internal and published modifications).

NM_199352.6(SLC22A25):c.289A>G (p.Lys97Glu)

Gene: SLC22A25 (solute carrier family 22 member 25; minus strand). Cytogenetic location: 11q12.3.
Variant type: single nucleotide variant.
Coding change: c.289A>G on transcript NM_199352.6 (MANE Select); coding-DNA position 289, A replaced by G.
Protein change: p.Lys97Glu; replaces lysine 97 with glutamic acid.
Molecular consequence: missense variant.
Genome position (GRCh38, 1-based): chr11:63,229,364, T>C on the plus strand (A>G on the coding strand, the complement: SLC22A25 is on the minus strand). VCF-style: chr11-63229364-T-C. GRCh37 (hg19) VCF-style: chr11-62996836-T-C.
Other names: c.289A>G, p.Lys97Glu (NM_001394058.1, NM_001394059.1); short protein forms K97E.
Identifiers: ClinVar variation 2454676 (VCV002454676.4), dbSNP rs145812369, ClinGen allele CA6060884.
Genomic context (GRCh38, chr11:63,229,364, plus strand): 5'-CACAGGGCTCTGTATCTGGCTCACTCGTGTTGGGGAAGGTCCCATTCAGATGAATGAGCT[T>C]CCACTGGGGATGGACAAAGCGACGACACTTCTCTGGCCTCAGATTTGAGTCGAATGGGAT-3'
Protein context (NP_955384.3, residues 87-107): KCRRFVHPQW[Lys97Glu]LIHLNGTFPN